The following is an entry in ClinVar:

ClinVar aggregate classification (germline): Conflicting classifications of pathogenicity. Review status: criteria provided, conflicting classifications (1 of 4 stars). 5 submissions from 5 submitters: Uncertain significance (4); Likely benign (1). Last evaluated 2025-11-19.

Conditions:
Charcot-Marie-Tooth disease type 4. Also called: Charcot-Marie-Tooth disease, type IV; Charcot-Marie-Tooth, Type 4. Identifiers: Orphanet 64749, MedGen C4082197, MONDO:0018995.
Inborn genetic diseases. Identifiers: MedGen C0950123, MeSH D030342.

Allele frequency attached by ClinVar (database versions not stated): ESP Exome Variant Server 0.00015; 1000 Genomes Project 30x 0.00016; 1000 Genomes Project 0.00020; TOPMed 0.00032.
gnomAD v4.1: 62 of 1,614,198 alleles (0.0038%); highest among the groups gnomAD compares: African/African-American, 0.072%; no homozygotes.

Submissions (5):

Women's Health and Genetics/Laboratory Corporation of America, LabCorp
Classification: Uncertain significance. Last evaluated: 2025-11-19. Review status: criteria provided, single submitter. Criteria: LabCorp Variant Classification Summary - May 2015. Collection method: clinical testing. Allele origin: germline.
Comment: Variant summary: SH3TC2 c.3433G>C (p.Ala1145Pro) results in a non-conservative amino acid change in the encoded protein sequence. Algorithms developed to predict the effect of missense changes on protein structure and function all suggest that this variant is likely to be disruptive. The variant allele was found at a frequency of 6e-05 in 251496 control chromosomes. This frequency is not significantly higher than estimated for disease-causing variants in SH3TC2, allowing no conclusion about variant significance. To our knowledge, no occurrence of c.3433G>C in individuals affected with SH3TC2-related conditions and no experimental evidence demonstrating its impact on protein function have been reported. ClinVar contains an entry for this variant (Variation ID: 962905). Based on the evidence outlined above, the variant was classified as uncertain significance.

Labcorp Genetics (formerly Invitae), Labcorp
Classification: Likely benign for Charcot-Marie-Tooth disease type 4. Last evaluated: 2025-09-22. Review status: criteria provided, single submitter. Criteria: Invitae Variant Classification Sherloc (09022015). Collection method: clinical testing. Allele origin: germline.

GeneDx
Classification: Uncertain significance. Last evaluated: 2025-07-31. Review status: criteria provided, single submitter. Criteria: GeneDx Variant Classification Process June 2021. Collection method: clinical testing. Allele origin: germline. Affected: yes.
Comment: In silico analysis supports that this missense variant has a deleterious effect on protein structure/function; Has not been previously published as pathogenic or benign to our knowledge

Ambry Genetics
Classification: Uncertain significance for Inborn genetic diseases. Last evaluated: 2024-08-05. Review status: criteria provided, single submitter. Criteria: Ambry Variant Classification Scheme 2023. Collection method: clinical testing. Allele origin: germline.

Athena Diagnostics
Classification: Uncertain significance. Last evaluated: 2022-12-20. Review status: criteria provided, single submitter. Criteria: Athena Diagnostics Criteria. Collection method: clinical testing. Allele origin: unknown.
Comment: Available data are insufficient to determine the clinical significance of the variant at this time. The frequency of this variant in the general population is uninformative in assessment of its pathogenicity. Computational tools predict that this variant is damaging.

NM_024577.4(SH3TC2):c.3433G>C (p.Ala1145Pro)

Gene: SH3TC2 (SH3 domain and tetratricopeptide repeats 2; minus strand). Cytogenetic location: 5q32.
Variant type: single nucleotide variant.
Coding change: c.3433G>C on transcript NM_024577.4 (MANE Select); coding-DNA position 3433, G replaced by C.
Protein change: p.Ala1145Pro; replaces alanine 1145 with proline.
Molecular consequence: missense variant.
Genome position (GRCh38, 1-based): chr5:149,008,896, C>G on the plus strand (G>C on the coding strand, the complement: SH3TC2 is on the minus strand). VCF-style: chr5-149008896-C-G. GRCh37 (hg19) VCF-style: chr5-148388459-C-G.
Other names: short protein forms A1145P.
Identifiers: ClinVar variation 962905 (VCV000962905.13), dbSNP rs141715248, ClinGen allele CA3498746.